The following is an entry in ClinVar:

NM_032578.4(MYPN):c.1306G>A (p.Val436Met)

Gene: MYPN (myopalladin; plus strand). Cytogenetic location: 10q21.3.
Variant type: single nucleotide variant.
Coding change: c.1306G>A on transcript NM_032578.4 (MANE Select); coding-DNA position 1306, G replaced by A.
Protein change: p.Val436Met; replaces valine 436 with methionine.
Molecular consequence: missense variant. On other transcripts: non-coding transcript variant (2).
Genome position (GRCh38, 1-based): chr10:68,150,100, G>A. VCF-style: chr10-68150100-G-A. GRCh37 (hg19) VCF-style: chr10-69909857-G-A.
Other names: c.1306G>A, p.Val436Met (NM_001256267.2); c.424G>A, p.Val142Met (NM_001256268.2); short protein forms V436M, V142M.
Identifiers: ClinVar variation 477738 (VCV000477738.12), dbSNP rs1172083148, ClinGen allele CA376833586.

ClinVar aggregate classification (germline): Uncertain significance. Review status: criteria provided, multiple submitters, no conflicts (2 of 4 stars). 4 submissions from 4 submitters: Uncertain significance (4). Last evaluated 2025-12-17.

Conditions:
MYPN-related myopathy (CMYO24). Also called: Nemaline myopathy 11, autosomal recessive. Identifiers: MedGen C4479186, MONDO:0015023, OMIM 617336.
Dilated cardiomyopathy 1KK (CMD1KK). Identifiers: Orphanet 154, Orphanet 75249, MedGen C3714995, MONDO:0014100, OMIM 615248.
Cardiovascular phenotype. Identifiers: MedGen CN230736.

Allele frequency attached by ClinVar (database versions not stated): TOPMed 0.00002; gnomAD exomes 0.00004 and 0.00002; gnomAD 0.00001.
gnomAD v4.1: 11 of 1,613,120 alleles (0.00068%); highest among the groups gnomAD compares: Admixed American, 0.017%; no homozygotes.

Submissions (4):

Ambry Genetics
Classification: Uncertain significance for Cardiovascular phenotype. Last evaluated: 2025-12-17. Review status: criteria provided, single submitter. Criteria: Ambry Variant Classification Scheme 2023. Collection method: clinical testing. Allele origin: germline.

GeneDx
Classification: Uncertain significance. Last evaluated: 2024-03-19. Review status: criteria provided, single submitter. Criteria: GeneDx Variant Classification Process June 2021. Collection method: clinical testing. Allele origin: germline. Affected: yes.
Comment: Has not been previously published as pathogenic or benign to our knowledge; In silico analysis supports that this missense variant does not alter protein structure/function; In silico analysis is inconclusive as to whether the variant alters gene splicing. In the absence of RNA/functional studies, the actual effect of this sequence change is unknown.

Labcorp Genetics (formerly Invitae), Labcorp
Classification: Uncertain significance for Dilated cardiomyopathy 1KK. Last evaluated: 2023-08-14. Review status: criteria provided, single submitter. Criteria: Invitae Variant Classification Sherloc (09022015). Collection method: clinical testing. Allele origin: germline.
Comment: ClinVar contains an entry for this variant (Variation ID: 477738). This variant is present in population databases (no rsID available, gnomAD 0.02%). This variant has not been reported in the literature in individuals affected with MYPN-related conditions. This sequence change replaces valine, which is neutral and non-polar, with methionine, which is neutral and non-polar, at codon 436 of the MYPN protein (p.Val436Met). An algorithm developed to predict the effect of missense changes on protein structure and function (PolyPhen-2) suggests that this variant is likely to be disruptive. Algorithms developed to predict the effect of sequence changes on RNA splicing suggest that this variant may disrupt the consensus splice site. In summary, the available evidence is currently insufficient to determine the role of this variant in disease. Therefore, it has been classified as a Variant of Uncertain Significance.

Fulgent Genetics
Classification: Uncertain significance for Dilated cardiomyopathy 1KK; MYPN-related myopathy. Last evaluated: 2021-08-30. Review status: criteria provided, single submitter. Criteria: ACMG Guidelines, 2015. Collection method: clinical testing. Allele origin: unknown.